The following is an entry in ClinVar:

ClinVar aggregate classification (germline): Pathogenic/Likely pathogenic. Review status: criteria provided, multiple submitters, no conflicts (2 of 4 stars). 2 submissions from 2 submitters: Pathogenic (1); Likely pathogenic (1). Last evaluated 2024-07-09.

Conditions:
Familial thoracic aortic aneurysm and aortic dissection (TAAD). Also called: Thoracic aortic aneurysms and dissections. Identifiers: Orphanet 91387, MedGen C4707243, MONDO:0019625.
Ehlers-Danlos syndrome, type 4 (EDSVASC). Also called: Ehlers-Danlos syndrome vascular type; Ehlers Danlos syndrome, ecchymotic type; Ehlers Danlos syndrome, arterial type; Ehlers Danlos syndrome, Sack-Barabas type; Ehlers-Danlos Syndrome Type IV. Identifiers: Orphanet 286, MedGen C0268338, MONDO:0017314, OMIM 130050.

Submissions (2):

Ambry Genetics
Classification: Likely pathogenic for Familial thoracic aortic aneurysm and aortic dissection. Last evaluated: 2024-07-09. Review status: criteria provided, single submitter. Criteria: Ambry Variant Classification Scheme 2023. Collection method: clinical testing. Allele origin: germline.
Comment: The p.G360D variant (also known as c.1079G>A), located in coding exon 16 of the COL3A1 gene, results from a G to A substitution at nucleotide position 1079. The glycine at codon 360 is replaced by aspartic acid, an amino acid with similar properties, and is located in the triple helical domain. The majority (approximately two-thirds) of COL3A1 mutations identified to date have involved the substitution of another amino acid for glycine within the triple-helical domain (Pepin MG et al. Genet Med. 2014;16(12):881-8; Frank M et al. Eur J Hum Genet. 2015;23(12):1657-64). Internal structural analysis indicates that this alteration disrupts the characteristic G-X-Y motif in the COL3A1 protein and inserts a bulky side chain into a sterically-constrained region (Bella J et al. Science. 1994;266:75-81; Hohenester E et al. Proc. Natl. Acad. Sci. U.S.A. 2008;105:18273-7; Ambry internal data). This amino acid position is highly conserved in available vertebrate species. In addition, this alteration is predicted to be deleterious by in silico analysis. This variant is considered to be rare based on population cohorts in the Genome Aggregation Database (gnomAD). Based on the majority of available evidence to date, this variant is likely to be pathogenic.

Labcorp Genetics (formerly Invitae), Labcorp
Classification: Pathogenic for Ehlers-Danlos syndrome, type 4. Last evaluated: 2024-05-21. Review status: criteria provided, single submitter. Criteria: Invitae Variant Classification Sherloc (09022015). Collection method: clinical testing. Allele origin: germline.
Comment: This sequence change replaces glycine, which is neutral and non-polar, with aspartic acid, which is acidic and polar, at codon 360 of the COL3A1 protein (p.Gly360Asp). This variant is not present in population databases (gnomAD no frequency). This missense change has been observed in individual(s) with clinical features of Ehlers-Danlos syndrome (Invitae). It has also been observed to segregate with disease in related individuals. ClinVar contains an entry for this variant (Variation ID: 1785779). Advanced modeling of protein sequence and biophysical properties (such as structural, functional, and spatial information, amino acid conservation, physicochemical variation, residue mobility, and thermodynamic stability) performed at Invitae indicates that this missense variant is expected to disrupt COL3A1 protein function with a positive predictive value of 95%. This variant disrupts the triple helix domain of COL3A1. Glycine residues within the Gly-Xaa-Yaa repeats of the triple helix domain are required for the structure and stability of fibrillar collagens (PMID: 7695699, 8218237, 19344236). In COL3A1, variants that affect these glycine residues are significantly enriched in individuals with disease (PMID: 24922459, 25758994) compared to the general population (ExAC). For these reasons, this variant has been classified as Pathogenic.

Literature cited by the submitters: PubMed 7695699 (cited by Labcorp Genetics (formerly Invitae), Labcorp); PubMed 8218237 (cited by Labcorp Genetics (formerly Invitae), Labcorp); PubMed 19344236 (cited by Labcorp Genetics (formerly Invitae), Labcorp); PubMed 24922459 (cited by Labcorp Genetics (formerly Invitae), Labcorp); PubMed 25758994 (cited by Labcorp Genetics (formerly Invitae), Labcorp).

NM_000090.4(COL3A1):c.1079G>A (p.Gly360Asp)

Gene: COL3A1 (collagen type III alpha 1 chain; plus strand). Cytogenetic location: 2q32.2.
Variant type: single nucleotide variant.
Coding change: c.1079G>A on transcript NM_000090.4 (MANE Select); coding-DNA position 1079, G replaced by A.
Protein change: p.Gly360Asp; replaces glycine 360 with aspartic acid.
Molecular consequence: missense variant.
Genome position (GRCh38, 1-based): chr2:188,993,389, G>A. VCF-style: chr2-188993389-G-A. GRCh37 (hg19) VCF-style: chr2-189858115-G-A.
Other names: short protein forms G360D.
Identifiers: ClinVar variation 1785779 (VCV001785779.5), dbSNP rs2469126009, ClinGen allele CA349850847.